The following is an entry in ClinVar:

ClinVar aggregate classification (germline): Uncertain significance. Review status: criteria provided, multiple submitters, no conflicts (2 of 4 stars). 2 submissions from 2 submitters: Uncertain significance (2). Last evaluated 2025-07-09.

Conditions:
Cataract 17 multiple types. Also called: CATARACT 17, PULVERULENT; CATARACT 17, CONGENITAL NUCLEAR, AUTOSOMAL RECESSIVE. Identifiers: Orphanet 91492, MedGen C3888124, MONDO:0012688, OMIM 611544.
Inborn genetic diseases. Identifiers: MedGen C0950123, MeSH D030342.

gnomAD v4.1: 27 of 1,614,100 alleles (0.0017%); highest among the groups gnomAD compares: Admixed American, 0.023%; no homozygotes.

Submissions (2):

Labcorp Genetics (formerly Invitae), Labcorp
Classification: Uncertain significance for Cataract 17 multiple types. Last evaluated: 2025-07-09. Review status: criteria provided, single submitter. Criteria: Invitae Variant Classification Sherloc (09022015). Collection method: clinical testing. Allele origin: germline.
Comment: This sequence change replaces arginine, which is basic and polar, with histidine, which is basic and polar, at codon 132 of the CRYBB1 protein (p.Arg132His). This variant is present in population databases (rs144695552, gnomAD 0.03%). This variant has not been reported in the literature in individuals affected with CRYBB1-related conditions. An algorithm developed to predict the effect of missense changes on protein structure and function (PolyPhen-2) suggests that this variant is likely to be tolerated. In summary, the available evidence is currently insufficient to determine the role of this variant in disease. Therefore, it has been classified as a Variant of Uncertain Significance.

Ambry Genetics
Classification: Uncertain significance for Inborn genetic diseases. Last evaluated: 2025-06-23. Review status: criteria provided, single submitter. Criteria: Ambry Variant Classification Scheme 2023. Collection method: clinical testing. Allele origin: germline.

NM_001887.4(CRYBB1):c.395G>A (p.Arg132His)

Genes: CRYBA4 (crystallin beta A4; plus strand), CRYBB1 (crystallin beta B1; minus strand). Cytogenetic location: 22q12.1.
Variant type: single nucleotide variant.
Coding change: c.395G>A on transcript NM_001887.4 (MANE Select); coding-DNA position 395, G replaced by A.
Protein change: p.Arg132His; replaces arginine 132 with histidine.
Molecular consequence: missense variant.
Genome position (GRCh38, 1-based): chr22:26,607,926, C>T on the plus strand (G>A on the coding strand, the complement: CRYBB1 is on the minus strand). VCF-style: chr22-26607926-C-T. GRCh37 (hg19) VCF-style: chr22-27003890-C-T.
Other names: short protein forms R132H.
Identifiers: ClinVar variation 4234589 (VCV004234589.2).